The following is an entry in ClinVar:

ClinVar aggregate classification (germline): Likely benign (1 of 4 stars; one submission).

Allele frequency attached by ClinVar (database versions not stated): gnomAD 0.00001; TOPMed 0.00001.
gnomAD v4.1: 5 of 1,208,481 alleles (0.00041%); highest among the groups gnomAD compares: Non-Finnish European, 0.00045%; no homozygotes.

Submission:

CeGaT Center for Human Genetics Tuebingen
Classification: Likely benign. Last evaluated: 2024-09-01. Review status: criteria provided, single submitter. Criteria: CeGaT Center For Human Genetics Tuebingen Variant Classification Criteria Version 2. Collection method: clinical testing. Allele origin: germline. Affected: yes. Observed: 2 variant alleles.
Comment: BRWD3: BP4, BP7

NM_153252.5(BRWD3):c.318A>T (p.Leu106=)

Gene: BRWD3 (bromodomain and WD repeat domain containing 3; minus strand). Cytogenetic location: Xq21.1.
Variant type: single nucleotide variant.
Coding change: c.318A>T on transcript NM_153252.5 (MANE Select); coding-DNA position 318, A replaced by T.
Protein change: p.Leu106=; no amino-acid change (leucine 106 retained).
Molecular consequence: synonymous variant.
Genome position (GRCh38, 1-based): chrX:80,793,635, T>A on the plus strand (A>T on the coding strand, the complement: BRWD3 is on the minus strand). VCF-style: chrX-80793635-T-A. GRCh37 (hg19) VCF-style: chrX-80049134-T-A.
Identifiers: ClinVar variation 2660988 (VCV002660988.24), dbSNP rs775094050, ClinGen allele CA517061907.